The following is an entry in ClinVar:

ClinVar aggregate classification (germline): Likely benign (0 of 4 stars; one submission).

Conditions:
CTDSP2-related disorder. Also called: CTDSP2-related condition.

Allele frequency attached by ClinVar (database versions not stated): gnomAD exomes 0.00001; ExAC 0.00002; TOPMed 0.00002.

Submission:

PreventionGenetics, part of Exact Sciences
Classification: Likely benign for CTDSP2-related condition. Last evaluated: 2020-11-06. Review status: no assertion criteria provided. Collection method: clinical testing. Allele origin: germline.
Comment: This variant is classified as likely benign based on ACMG/AMP sequence variant interpretation guidelines (Richards et al. 2015 PMID: 25741868, with internal and published modifications).

NM_005730.4(CTDSP2):c.768C>T (p.Ser256=)

Gene: CTDSP2 (CTD small phosphatase 2; minus strand). Cytogenetic location: 12q14.1.
Variant type: single nucleotide variant.
Coding change: c.768C>T on transcript NM_005730.4 (MANE Select); coding-DNA position 768, C replaced by T.
Protein change: p.Ser256=; no amino-acid change (serine 256 retained).
Molecular consequence: synonymous variant.
Genome position (GRCh38, 1-based): chr12:57,823,650, G>A on the plus strand (C>T on the coding strand, the complement: CTDSP2 is on the minus strand). VCF-style: chr12-57823650-G-A. GRCh37 (hg19) VCF-style: chr12-58217433-G-A.
Identifiers: ClinVar variation 3034914 (VCV003034914.2), dbSNP rs762231419, ClinGen allele CA6660377.